The following is an entry in ClinVar:

ClinVar aggregate classification (germline): Likely benign. Review status: criteria provided, multiple submitters, no conflicts (2 of 4 stars). 2 submissions from 2 submitters: Likely benign (2). Last evaluated 2025-08-01.

Conditions:
Developmental and epileptic encephalopathy, 14 (DEE14). Also called: Early infantile epileptic encephalopathy 14. Identifiers: Orphanet 293181, MedGen C3554195, MONDO:0013989, OMIM 614959.
Autosomal dominant nocturnal frontal lobe epilepsy 5. Also called: KCNT1-Related Epilepsy; Epilepsy, nocturnal frontal lobe, 5; CILIARY DYSKINESIA, PRIMARY, 28, WITHOUT SITUS INVERSUS; CILIARY DYSKINESIA, PRIMARY, 28, WITH SITUS INVERSUS. Identifiers: Orphanet 98784, MedGen C3554306, MONDO:0014002, OMIM 615005.

Submissions (2):

CeGaT Center for Human Genetics Tuebingen
Classification: Likely benign. Last evaluated: 2025-08-01. Review status: criteria provided, single submitter. Criteria: CeGaT Center For Human Genetics Tuebingen Variant Classification Criteria Version 2. Collection method: clinical testing. Allele origin: germline. Affected: yes. Observed: 1 variant allele.
Comment: KCNT1: BP4, BP7

Labcorp Genetics (formerly Invitae), Labcorp
Classification: Likely benign for Autosomal dominant nocturnal frontal lobe epilepsy 5; Developmental and epileptic encephalopathy, 14. Last evaluated: 2024-11-15. Review status: criteria provided, single submitter. Criteria: Invitae Variant Classification Sherloc (09022015). Collection method: clinical testing. Allele origin: germline.

NM_020822.3(KCNT1):c.1830G>C (p.Pro610=)

Gene: KCNT1 (potassium sodium-activated channel subfamily T member 1; plus strand). Cytogenetic location: 9q34.3.
Variant type: single nucleotide variant.
Coding change: c.1830G>C on transcript NM_020822.3 (MANE Select); coding-DNA position 1830, G replaced by C.
Protein change: p.Pro610=; no amino-acid change (proline 610 retained).
Molecular consequence: synonymous variant.
Genome position (GRCh38, 1-based): chr9:135,770,917, G>C. VCF-style: chr9-135770917-G-C. GRCh37 (hg19) VCF-style: chr9-138662763-G-C.
Other names: c.1695G>C, p.Pro565= (NM_001272003.2).
Identifiers: ClinVar variation 1146839 (VCV001146839.17), dbSNP rs780892917, ClinGen allele CA5327092.
Genomic context (GRCh38, chr9:135,770,917, plus strand): 5'-GTATGGCGTGTGCCTCATCGGGCTGAAGCGGGAGGACAACAAGAGCATCCTGCTGAACCC[G>C]GGGCCCCGGCACATCCTGGCCGCCTCTGACACCTGCTTCTACATCAACATCACCAAGGAG-3'
Protein context (NP_065873.2, residues 600-620): REDNKSILLN[Pro610=]GPRHILAASD